The following is an entry in ClinVar:

ClinVar aggregate classification (germline): Uncertain significance (1 of 4 stars; one submission).

Conditions:
MHC class II deficiency. Also called: Bare lymphocyte syndrome 2; BLS, TYPE II. Identifiers: Orphanet 572, MedGen C5447452, MONDO:0008855.

Allele frequency attached by ClinVar (database versions not stated): ExAC 0.00003; gnomAD exomes 0.00003 and 0.00002; TOPMed 0.00003; gnomAD 0.00001.
gnomAD v4.1: 12 of 1,614,132 alleles (0.00074%); highest among the groups gnomAD compares: East Asian, 0.027%; no homozygotes.

Submission:

Labcorp Genetics (formerly Invitae), Labcorp
Classification: Uncertain significance for MHC class II deficiency. Last evaluated: 2022-07-18. Review status: criteria provided, single submitter. Criteria: Invitae Variant Classification Sherloc (09022015). Collection method: clinical testing. Allele origin: germline.
Comment: This sequence change replaces serine, which is neutral and polar, with threonine, which is neutral and polar, at codon 442 of the RFX5 protein (p.Ser442Thr). This variant is present in population databases (rs756299731, gnomAD 0.04%). This variant has not been reported in the literature in individuals affected with RFX5-related conditions. ClinVar contains an entry for this variant (Variation ID: 1008238). Algorithms developed to predict the effect of missense changes on protein structure and function (SIFT, PolyPhen-2, Align-GVGD) all suggest that this variant is likely to be tolerated. In summary, the available evidence is currently insufficient to determine the role of this variant in disease. Therefore, it has been classified as a Variant of Uncertain Significance.

NM_001025603.2(RFX5):c.1325G>C (p.Ser442Thr)

Gene: RFX5 (regulatory factor X5; minus strand). Cytogenetic location: 1q21.3.
Variant type: single nucleotide variant.
Coding change: c.1325G>C on transcript NM_001025603.2 (MANE Select); coding-DNA position 1325, G replaced by C.
Protein change: p.Ser442Thr; replaces serine 442 with threonine.
Molecular consequence: missense variant.
Genome position (GRCh38, 1-based): chr1:151,342,712, C>G on the plus strand (G>C on the coding strand, the complement: RFX5 is on the minus strand). VCF-style: chr1-151342712-C-G. GRCh37 (hg19) VCF-style: chr1-151315188-C-G.
Other names: c.1325G>C, p.Ser442Thr (NM_000449.4, NM_001379412.1, NM_001379413.1 and 5 more transcripts); c.1205G>C, p.Ser402Thr (NM_001379419.1, NM_001379420.1); short protein forms S402T, S442T.
Identifiers: ClinVar variation 1008238 (VCV001008238.4), dbSNP rs756299731, ClinGen allele CA1089623.